The following is an entry in ClinVar:

ClinVar aggregate classification (germline): Uncertain significance. Review status: criteria provided, multiple submitters, no conflicts (2 of 4 stars). 4 submissions from 4 submitters: Uncertain significance (4). Last evaluated 2026-07-13.

Conditions:
Hereditary cancer-predisposing syndrome. Also called: Tumor predisposition; Hereditary neoplastic syndrome; Neoplastic Syndromes, Hereditary; Hereditary Cancer Syndrome. Identifiers: Orphanet 140162, MedGen C0027672, MeSH D009386, MONDO:0015356.
Tuberous sclerosis 1 (TSC1). Identifiers: Orphanet 805, MedGen C1854465, MONDO:0008612, OMIM 191100.

Submissions (4):

Ambry Genetics
Classification: Uncertain significance for Hereditary cancer-predisposing syndrome. Last evaluated: 2026-07-13. Review status: criteria provided, single submitter. Criteria: Ambry Variant Classification Scheme 2023. Collection method: clinical testing. Allele origin: germline.
Comment: The p.Q573E variant (also known as c.1717C>G), located in coding exon 13 of the TSC1 gene, results from a C to G substitution at nucleotide position 1717. The glutamine at codon 573 is replaced by glutamic acid, an amino acid with highly similar properties. This amino acid position is conserved. In addition, the in silico prediction for this alteration is inconclusive. Based on the available evidence, the clinical significance of this variant remains unclear.

GeneDx
Classification: Uncertain significance. Last evaluated: 2024-10-09. Review status: criteria provided, single submitter. Criteria: GeneDx Variant Classification Process June 2021. Collection method: clinical testing. Allele origin: germline. Affected: yes.
Comment: Not observed at significant frequency in large population cohorts (gnomAD); In silico analysis indicates that this missense variant does not alter protein structure/function; Has not been previously published as pathogenic or benign to our knowledge

Women's Health and Genetics/Laboratory Corporation of America, LabCorp
Classification: Uncertain significance. Last evaluated: 2022-10-24. Review status: criteria provided, single submitter. Criteria: LabCorp Variant Classification Summary - May 2015. Collection method: clinical testing. Allele origin: germline.
Comment: Variant summary: TSC1 c.1717C>G (p.Gln573Glu) results in a conservative amino acid change in the encoded protein sequence. Three of four in-silico tools predict a benign effect of the variant on protein function. The variant was absent in 251006 control chromosomes. The available data on variant occurrences in the general population are insufficient to allow any conclusion about variant significance. To our knowledge, no occurrence of c.1717C>G in individuals affected with Tuberous Sclerosis Complex and no experimental evidence demonstrating its impact on protein function have been reported. One clinical diagnostic laboratory has submitted clinical-significance assessments for this variant to ClinVar after 2014 without evidence for independent evaluation. One laboratory classified the variant as uncertain significance. Based on the evidence outlined above, the variant was classified as uncertain significance.

Labcorp Genetics (formerly Invitae), Labcorp
Classification: Uncertain significance for Tuberous sclerosis 1. Last evaluated: 2020-08-21. Review status: criteria provided, single submitter. Criteria: Invitae Variant Classification Sherloc (09022015). Collection method: clinical testing. Allele origin: germline.
Comment: This sequence change replaces glutamine with glutamic acid at codon 573 of the TSC1 protein (p.Gln573Glu). The glutamine residue is moderately conserved and there is a small physicochemical difference between glutamine and glutamic acid. This variant is not present in population databases (ExAC no frequency). This variant has not been reported in the literature in individuals with TSC1-related conditions. Algorithms developed to predict the effect of missense changes on protein structure and function (SIFT, PolyPhen-2, Align-GVGD) all suggest that this variant is likely to be tolerated, but these predictions have not been confirmed by published functional studies and their clinical significance is uncertain. In summary, the available evidence is currently insufficient to determine the role of this variant in disease. Therefore, it has been classified as a Variant of Uncertain Significance.

NM_000368.5(TSC1):c.1717C>G (p.Gln573Glu)

Gene: TSC1 (TSC complex subunit 1; minus strand). Cytogenetic location: 9q34.13.
Variant type: single nucleotide variant.
Coding change: c.1717C>G on transcript NM_000368.5 (MANE Select); coding-DNA position 1717, C replaced by G.
Protein change: p.Gln573Glu; replaces glutamine 573 with glutamic acid.
Molecular consequence: missense variant.
Genome position (GRCh38, 1-based): chr9:132,905,861, G>C on the plus strand (C>G on the coding strand, the complement: TSC1 is on the minus strand). VCF-style: chr9-132905861-G-C. GRCh37 (hg19) VCF-style: chr9-135781248-G-C.
Other names: c.1714C>G, p.Gln572Glu (NM_001162426.2); c.1564C>G, p.Gln522Glu (NM_001162427.2); c.1354C>G, p.Gln452Glu (NM_001362177.2); short protein forms Q572E, Q573E, Q522E, Q452E.
Identifiers: ClinVar variation 854465 (VCV000854465.12), dbSNP rs118203565, ClinGen allele CA375364011.